The following is an entry in ClinVar:

ClinVar aggregate classification (germline): Conflicting classifications of pathogenicity. Review status: criteria provided, conflicting classifications (1 of 4 stars). 6 submissions from 4 submitters: Uncertain significance (2); Benign (2); Likely benign (2). Last evaluated 2026-01-21.

Conditions:
Congenital myopathy with fiber type disproportion. Also called: Congenital fiber-type disproportion; Congenital fiber-type disproportion myopathy. Identifiers: Orphanet 2020, MedGen C0546264, MONDO:0009711. Inheritance: all.
Actin accumulation myopathy (CMYO2A). Also called: Nemaline myopathy 3, with intranuclear rods; Myopathy, actin, congenital, with cores; CONGENITAL MYOPATHY 2A, TYPICAL, AUTOSOMAL DOMINANT; Nemaline myopathy type 3; Myopathy, actin, congenital, with excess of thin myofilaments. Identifiers: Orphanet 98904, MedGen C3711389, MONDO:0008070, OMIM 161800.
Familial restrictive cardiomyopathy (RCM). Identifiers: Orphanet 217635, MedGen C0340429, MONDO:0016340.

Allele frequency attached by ClinVar (database versions not stated): gnomAD exomes 0.00034; ExAC 0.00046; gnomAD 0.00119; TOPMed 0.00133; ESP Exome Variant Server 0.00177.
gnomAD v4.1: 340 of 1,611,058 alleles (0.021%); highest among the groups gnomAD compares: African/African-American, 0.43%; no homozygotes.

Submissions (6):

Labcorp Genetics (formerly Invitae), Labcorp
Classification: Benign for Actin accumulation myopathy. Last evaluated: 2026-01-21. Review status: criteria provided, single submitter. Criteria: Invitae Variant Classification Sherloc (09022015). Collection method: clinical testing. Allele origin: germline.

Blueprint Genetics
Classification: Likely benign. Last evaluated: 2022-12-05. Review status: criteria provided, single submitter. Criteria: ACMG Guidelines, 2015. Collection method: clinical testing. Allele origin: germline.

GeneDx
Classification: Likely benign. Last evaluated: 2020-09-04. Review status: criteria provided, single submitter. Criteria: GeneDx Variant Classification Process June 2021. Collection method: clinical testing. Allele origin: germline. Affected: yes.

Illumina Laboratory Services, Illumina
Classification: Benign for Congenital myopathy 4A, autosomal dominant. Last evaluated: 2018-01-13. Review status: criteria provided, single submitter. Criteria: ICSL Variant Classification Criteria 13 December 2019. Collection method: clinical testing. Allele origin: germline.
Comment: This variant was observed in the ICSL laboratory as part of a predisposition screen in an ostensibly healthy population. It had not been previously curated by ICSL or reported in the Human Gene Mutation Database (HGMD: prior to June 1st, 2018), and was therefore a candidate for classification through an automated scoring system. Utilizing variant allele frequency, disease prevalence and penetrance estimates, and inheritance mode, an automated score was calculated to assess if this variant is too frequent to cause the disease. Based on the score and internal cut-off values, a variant classified as benign is not then subjected to further curation. The score for this variant resulted in a classification of benign for this disease.

Illumina Laboratory Services, Illumina
Classification: Uncertain significance for Familial restrictive cardiomyopathy. Last evaluated: 2018-01-13. Review status: criteria provided, single submitter. Criteria: ICSL Variant Classification Criteria 13 December 2019. Collection method: clinical testing. Allele origin: germline.

Illumina Laboratory Services, Illumina
Classification: Uncertain significance for Actin accumulation myopathy. Last evaluated: 2018-01-13. Review status: criteria provided, single submitter. Criteria: ICSL Variant Classification Criteria 13 December 2019. Collection method: clinical testing. Allele origin: germline.

NM_001100.4(ACTA1):c.786G>C (p.Thr262=)

Gene: ACTA1 (actin alpha 1, skeletal muscle; minus strand). Cytogenetic location: 1q42.13.
Variant type: single nucleotide variant.
Coding change: c.786G>C on transcript NM_001100.4 (MANE Select); coding-DNA position 786, G replaced by C.
Protein change: p.Thr262=; no amino-acid change (threonine 262 retained).
Molecular consequence: synonymous variant.
Genome position (GRCh38, 1-based): chr1:229,432,016, C>G on the plus strand (G>C on the coding strand, the complement: ACTA1 is on the minus strand). VCF-style: chr1-229432016-C-G. GRCh37 (hg19) VCF-style: chr1-229567763-C-G.
Identifiers: ClinVar variation 706552 (VCV000706552.17), dbSNP rs141030526, ClinGen allele CA1442804.